The following is an entry in ClinVar:

NM_006231.4(POLE):c.3017T>C (p.Val1006Ala)

Gene: POLE (DNA polymerase epsilon, catalytic subunit; minus strand). Cytogenetic location: 12q24.33.
Variant type: single nucleotide variant.
Coding change: c.3017T>C on transcript NM_006231.4 (MANE Select); coding-DNA position 3017, T replaced by C.
Protein change: p.Val1006Ala; replaces valine 1006 with alanine.
Molecular consequence: missense variant.
Genome position (GRCh38, 1-based): chr12:132,661,012, A>G on the plus strand (T>C on the coding strand, the complement: POLE is on the minus strand). VCF-style: chr12-132661012-A-G. GRCh37 (hg19) VCF-style: chr12-133237598-A-G.
Other names: short protein forms V1006A.
Identifiers: ClinVar variation 1384061 (VCV001384061.6), dbSNP rs2138689386, ClinGen allele CA387392275.

ClinVar aggregate classification (germline): Uncertain significance (1 of 4 stars; one submission).

Submission:

Labcorp Genetics (formerly Invitae), Labcorp
Classification: Uncertain significance. Last evaluated: 2021-10-02. Review status: criteria provided, single submitter. Criteria: Invitae Variant Classification Sherloc (09022015). Collection method: clinical testing. Allele origin: germline.
Comment: In summary, the available evidence is currently insufficient to determine the role of this variant in disease. Therefore, it has been classified as a Variant of Uncertain Significance. Algorithms developed to predict the effect of sequence changes on RNA splicing suggest that this variant may create or strengthen a splice site. Algorithms developed to predict the effect of missense changes on protein structure and function (SIFT, PolyPhen-2, Align-GVGD) all suggest that this variant is likely to be disruptive. This variant has not been reported in the literature in individuals affected with POLE-related conditions. This variant is not present in population databases (ExAC no frequency). This sequence change replaces valine with alanine at codon 1006 of the POLE protein (p.Val1006Ala). The valine residue is highly conserved and there is a small physicochemical difference between valine and alanine.